The following continues an entry in ClinVar:

NM_138413.4(HOGA1):c.938AGG[2] (p.Glu315del)

Gene: HOGA1. ClinVar aggregate classification (germline): Pathogenic/Likely pathogenic. Pathogenic (18); Likely pathogenic (1).

Submissions 17 to 22 of 22:

Illumina Laboratory Services, Illumina
Classification: Pathogenic for Primary hyperoxaluria type 3. Last evaluated: 2018-10-19. Review status: criteria provided, single submitter. Criteria: ICSL Variant Classification Criteria 09 May 2019. Collection method: clinical testing. Allele origin: germline.
Comment: The HOGA1 c.944_946delAGG (p.Glu315del) variant results in an inframe deletion. Across a selection of the available literature, the p.Glu315del variant has been identified in a total of 38 individuals with primary hyperoxaluria including 15 homozygotes and 23 compound heterozygotes (Belostotsky et al. 2010; Monico et al. 2011; Williams et al. 2012; Hopp et al. 2015; Pitt et al. 2015; Williams et al. 2015). The second variant carried by the compound heterozygotes is either a missense or splice_region variant. The p.Glu315del variant was absent from 113 controls and is reported at a frequency of 0.008967 in the Ashkenazi Jewish population of the Genome Aggregation Database. Expression of the p.Glu315del variant protein in CHO cells revealed that the protein was mislocalized and retained no measurable activity (Riedel et al. 2012). Expression analysis in HEK293 cells demonstrated the p.Glu315del variant protein was unstable and was only detected in the presence of 26S proteasome inhibitor (MacDonald et al. 2016). Based on the collective evidence, the p.Glu315del variant is classified as pathogenic for primary hyperoxaluria. This variant was observed by ICSL as part of a predisposition screen in an ostensibly healthy population.

Laboratory for Molecular Medicine, Mass General Brigham Personalized Medicine
Classification: Pathogenic for Primary hyperoxaluria, type III. Last evaluated: 2018-09-07. Review status: criteria provided, single submitter. Criteria: LMM Criteria. Collection method: clinical testing. Allele origin: germline. Inheritance: Autosomal recessive inheritance. Observed: 2 variant alleles.
Comment: The p.Glu315del variant in HOGA1 is an established pathogenic variant associated with primary hyperoxaluria type III. It is one of the two most commonly observe d pathogenic variants in HOGA1 and has been identified in the homozygous or comp ound heterozygous state in multiple affected individuals and segregated with dis ease in multiple affected family members (Belostotsky 2010, Monico 2011, William s 2012, Hopp 2015). It is prevalent in the Ashkenazi Jewish population and has b een identified in 0.9% of Ashkenazi Jewish chromosomes by gnomAD (.). In vitro functional studies suggest that this variant impac ts protein function (MacDonald 2016). In summary, this variant meets our criteri a to be classified as pathogenic for primary hyperoxaluria type III in an autoso mal recessive manner. ACMG/AMP Criteria applied: PP1_Very Strong, PS3_Moderate. PM4_Supporting.

Kariminejad - Najmabadi Pathology & Genetics Center
Classification: Pathogenic for Primary hyperoxaluria type 3. Review status: criteria provided, single submitter. Criteria: ACMG Guidelines, 2015. Collection method: clinical testing. Allele origin: germline. Affected: no.

Reproductive Health Research and Development, BGI Genomics
Classification: Pathogenic for Primary hyperoxaluria, type III. Last evaluated: 2020-01-06. Review status: no assertion criteria provided. Collection method: curation. Allele origin: germline. Not counted in ClinVar's aggregate classification.
Comment: NM_138413.3:c.944_946delAGG in the HOGA1 gene has an allele frequency of 0.009 in Ashkenazi Jewish subpopulation in the gnomAD database. Belostotsky et al. reported that three independent families harboring homozygous for this variant, leading to the loss of one glutamic acid residue (PMID: 20797690). In addition, Monico et al. reported mutiple patients are compound heterozygous with another pathogenic variant and segregated (PMID: 21896830). Experimental studies have shown that this missense change leads to HOGA1 protein instability (PMID: 22771891; 27096395). Taken together, we interprete this variant as Pathogenic/Likely pathogenic. ACMG/AMP Criteria applied: PM3_VeryStrong; PS3.

OMIM
Classification: Pathogenic for HYPEROXALURIA, PRIMARY, TYPE III. Last evaluated: 2010-09-10. Review status: no assertion criteria provided. Collection method: literature only. Allele origin: germline. Not counted in ClinVar's aggregate classification.

GeneReviews
No classification provided. Condition: Primary hyperoxaluria type 3. Review status: no classification provided. Collection method: literature only. Allele origin: germline. Affected: yes. Not counted in ClinVar's aggregate classification.

Literature cited by the submitters: PubMed 20797690 (cited by 11 submitters); PubMed 22771891 (cited by 8 submitters); PubMed 27096395 (cited by 6 submitters); PubMed 22391140 (cited by 5 submitters); PubMed 25629080 (cited by 3 submitters); PubMed 25644115 (cited by 3 submitters); PubMed 31589614 (cited by Rare Kidney Stone Consortium and the Mayo Clinic Hyperoxaluria Center, Mayo Clinic); PubMed 31980526 (cited by Rare Kidney Stone Consortium and the Mayo Clinic Hyperoxaluria Center, Mayo Clinic); PubMed 34426522 (cited by Rare Kidney Stone Consortium and the Mayo Clinic Hyperoxaluria Center, Mayo Clinic); PubMed 36928260 (cited by Rare Kidney Stone Consortium and the Mayo Clinic Hyperoxaluria Center, Mayo Clinic); PubMed 40794449 (cited by Rare Kidney Stone Consortium and the Mayo Clinic Hyperoxaluria Center, Mayo Clinic); PubMed 21896830 (cited by 3 submitters); PubMed 24563386 (cited by Illumina Laboratory Services, Illumina); NCBI Bookshelf NBK316514 (cited by GeneReviews).